The following is an entry in ClinVar:

ClinVar aggregate classification (germline): Uncertain significance (1 of 4 stars; one submission).

Submission:

Labcorp Genetics (formerly Invitae), Labcorp
Classification: Uncertain significance. Last evaluated: 2025-05-23. Review status: criteria provided, single submitter. Criteria: Invitae Variant Classification Sherloc (09022015). Collection method: clinical testing. Allele origin: germline.
Comment: This sequence change falls in intron 8 of the PLS3 gene. It does not directly change the encoded amino acid sequence of the PLS3 protein. It affects a nucleotide within the consensus splice site. This variant is not present in population databases (gnomAD no frequency). This variant has not been reported in the literature in individuals affected with PLS3-related conditions. Variants that disrupt the consensus splice site are a relatively common cause of aberrant splicing (PMID: 17576681, 9536098). Algorithms developed to predict the effect of sequence changes on RNA splicing suggest that this variant may disrupt the consensus splice site. In summary, the available evidence is currently insufficient to determine the role of this variant in disease. Therefore, it has been classified as a Variant of Uncertain Significance.

Literature cited by the submitters: PubMed 17576681; PubMed 9536098.

NM_005032.7(PLS3):c.891+3A>G

Gene: PLS3 (plastin 3; plus strand). Cytogenetic location: Xq23.
Variant type: single nucleotide variant.
Coding change: c.891+3A>G on transcript NM_005032.7 (MANE Select); 3 bases into the intron after coding-DNA position 891, A replaced by G.
Molecular consequence: intron variant.
Genome position (GRCh38, 1-based): chrX:115,636,981, A>G. VCF-style: chrX-115636981-A-G. GRCh37 (hg19) VCF-style: chrX-114871293-A-G.
Other names: c.825+3A>G (NM_001282337.2); c.891+3A>G (NM_001440791.1, NM_001440792.1, NM_001136025.5); c.756+3A>G (NM_001282338.2); c.810+3A>G (NM_001172335.3).
Identifiers: ClinVar variation 4719392 (VCV004719392.1).